The following is an entry in ClinVar:

NM_000518.5(HBB):c.315+3_315+4insT

Genes: HBB (hemoglobin subunit beta; minus strand), LOC106099062 (HBB recombination region; plus strand), LOC107133510 (origin of replication at HBB; plus strand), LOC110006319 (beta-globin gene 3' regulatory region; plus strand). Cytogenetic location: 11p15.4.
Variant type: Insertion.
Coding change: c.315+3_315+4insT on transcript NM_000518.5 (MANE Select); bases 3 to 4 of the intron after coding-DNA position 315, T inserted.
Molecular consequence: intron variant.
Genome position: GRCh38 VCF-style: chr11-5226573-T-TA. GRCh37 (hg19) VCF-style: chr11-5247803-T-TA.
Identifiers: ClinVar variation 4818727 (VCV004818727.1).

ClinVar aggregate classification (germline): Uncertain significance (0 of 4 stars; one submission).

Conditions:
Thalassemia. Identifiers: MedGen C0039730, MONDO:0000984.

Submission:

Istanbul Faculty of Medicine, Istanbul University
Classification: Uncertain significance for Thalassemia. Last evaluated: 2026-02-26. Review status: no assertion criteria provided. Collection method: curation. Allele origin: germline. Affected: yes.
Comment: PM2, PP3

Literature cited by the submitters: PubMed 42261243.